The following is an entry in ClinVar:

NM_000232.5(SGCB):c.694G>A (p.Val232Ile)

Gene: SGCB (sarcoglycan beta; minus strand). Cytogenetic location: 4q12.
Variant type: single nucleotide variant.
Coding change: c.694G>A on transcript NM_000232.5 (MANE Select); coding-DNA position 694, G replaced by A.
Protein change: p.Val232Ile; replaces valine 232 with isoleucine.
Molecular consequence: missense variant.
Genome position (GRCh38, 1-based): chr4:52,028,027, C>T on the plus strand (G>A on the coding strand, the complement: SGCB is on the minus strand). VCF-style: chr4-52028027-C-T. GRCh37 (hg19) VCF-style: chr4-52894193-C-T.
Other names: short protein forms V232I.
Identifiers: ClinVar variation 1712561 (VCV001712561.3), dbSNP rs1395152494, ClinGen allele CA356875988.

ClinVar aggregate classification (germline): Uncertain significance (1 of 4 stars; one submission).

Allele frequency attached by ClinVar (database versions not stated): gnomAD exomes below 0.00001.
gnomAD v4.1: 2 of 1,610,516 alleles (0.00012%); highest among the groups gnomAD compares: Non-Finnish European, 0.00017%; no homozygotes.

Submission:

GeneDx
Classification: Uncertain significance. Last evaluated: 2025-02-10. Review status: criteria provided, single submitter. Criteria: GeneDx Variant Classification Process June 2021. Collection method: clinical testing. Allele origin: germline.
Comment: Not observed at significant frequency in large population cohorts (gnomAD); In silico analysis indicates that this missense variant does not alter protein structure/function; Has not been previously published as pathogenic or benign to our knowledge; In silico analysis suggests this variant may impact gene splicing. In the absence of RNA/functional studies, the actual effect of this sequence change is unknown.; Missense variants in this gene are a common cause of disease and they are underrepresented in the general population